The following is an entry in ClinVar:

NM_001369.3(DNAH5):c.10783_10784del (p.Thr3595fs)

Gene: DNAH5 (dynein axonemal heavy chain 5; minus strand). Cytogenetic location: 5p15.2.
Variant type: Deletion.
Coding change: c.10783_10784del on transcript NM_001369.3 (MANE Select); coding-DNA positions 10783 to 10784, 2 bases deleted (AC; older notation c.10783_10784delAC).
Protein change: p.Thr3595fs; shifts the reading frame from threonine 3595.
Molecular consequence: frameshift variant.
Genome position (GRCh38, 1-based): chr5:13,753,321-13,753,322, GT deleted on the plus strand (AC on the coding strand, the reverse complement: DNAH5 is on the minus strand); deleting any 2 consecutive bases within chr5:13,753,321-13,753,323 gives the same sequence; the c. name uses the placement nearest the transcript's 3' end. VCF-style (leftmost placement, unchanged base first): chr5-13753320-CGT-C. GRCh37 (hg19) VCF-style: chr5-13753429-CGT-C.
Other names: short protein forms T3595fs.
Identifiers: ClinVar variation 1725842 (VCV001725842.2), dbSNP rs2546614807, ClinGen allele CA2580072143.

ClinVar aggregate classification (germline): Likely pathogenic (1 of 4 stars; one submission).

Conditions:
Primary ciliary dyskinesia 3. Identifiers: Orphanet 244, MedGen C1837618, MONDO:0012085, OMIM 608644.

Submission:

Myriad Genetics, Inc.
Classification: Likely pathogenic for Primary ciliary dyskinesia 3. Last evaluated: 2021-12-08. Review status: criteria provided, single submitter. Criteria: Myriad Women's Health Autosomal Recessive and X-Linked Classification Criteria (2021). Collection method: clinical testing. Allele origin: unknown.
Comment: NM_001369.2(DNAH5):c.10783_10784delAC(T3595Efs*10) is expected to be pathogenic in the context of DNAH5-related primary ciliary dyskinesia. This variant is predicted to lead to an abnormal or absent protein product due to the creation of a premature termination codon in DNAH5, a gene where loss-of-function variants are known to be pathogenic. Please note: this variant was assessed in the context of healthy population screening.